The following is an entry in ClinVar:

NM_007294.4(BRCA1):c.352C>G (p.Leu118Val)

Gene: BRCA1 (BRCA1 DNA repair associated; minus strand). Cytogenetic location: 17q21.31.
Variant type: single nucleotide variant.
Coding change: c.352C>G on transcript NM_007294.4 (MANE Select); coding-DNA position 352, C replaced by G.
Protein change: p.Leu118Val; replaces leucine 118 with valine.
Molecular consequence: missense variant. On other transcripts: non-coding transcript variant (1).
Genome position (GRCh38, 1-based): chr17:43,104,211, G>C on the plus strand (C>G on the coding strand, the complement: BRCA1 is on the minus strand). VCF-style: chr17-43104211-G-C. GRCh37 (hg19) VCF-style: chr17-41256228-G-C.
Other names: c.142C>G, p.Leu48Val (NM_001407571.1, NM_001407853.1, NM_001407879.1 and 58 more transcripts); c.352C>G, p.Leu118Val (NM_001407581.1, NM_001407582.1, NM_001407583.1 and 165 more transcripts); c.343C>G, p.Leu115Val (NM_001407646.1, NM_001407647.1, NM_001408408.1); c.274C>G, p.Leu92Val (NM_001407653.1, NM_001407654.1, NM_001407655.1 and 21 more transcripts); c.211C>G, p.Leu71Val (NM_001407692.1, NM_001407694.1, NM_001407695.1 and 99 more transcripts); c.-30C>G (NM_001407959.1, NM_001407960.1, NM_001407962.1 and 4 more transcripts); c.220C>G, p.Leu74Val (NM_001408451.1); short protein forms L118V, L71V, L115V, L74V, L48V, L92V.
Identifiers: ClinVar variation 231713 (VCV000231713.8), dbSNP rs876659315, ClinGen allele CA10580703.

ClinVar aggregate classification (germline): Uncertain significance. Review status: criteria provided, multiple submitters, no conflicts (2 of 4 stars). 2 submissions from 2 submitters: Uncertain significance (2). Last evaluated 2024-03-11.

Conditions:
Hereditary cancer-predisposing syndrome. Also called: Neoplastic Syndromes, Hereditary; Tumor predisposition; Hereditary Cancer Syndrome; Hereditary neoplastic syndrome. Identifiers: Orphanet 140162, MedGen C0027672, MeSH D009386, MONDO:0015356.
Hereditary breast ovarian cancer syndrome. Also called: BRCA1- and BRCA2-Associated Hereditary Breast and Ovarian Cancer; Hereditary breast and ovarian cancer syndrome; Hereditary breast and ovarian cancer; Hereditary breast and ovarian cancer syndrome (HBOC); Breast and ovarian cancer; Hereditary breast and/or ovarian cancer syndrome. Identifiers: Orphanet 145, MedGen C0677776, MeSH D061325, MONDO:0003582. Disease mechanism: loss of function.

Allele frequency attached by ClinVar (database versions not stated): gnomAD exomes below 0.00001.
gnomAD v4.1: 3 of 1,613,188 alleles (0.00019%); highest among the groups gnomAD compares: Non-Finnish European, 0.00025%; no homozygotes.

Submissions (2):

Labcorp Genetics (formerly Invitae), Labcorp
Classification: Uncertain significance for Hereditary breast ovarian cancer syndrome. Last evaluated: 2024-03-11. Review status: criteria provided, single submitter. Criteria: Invitae Variant Classification Sherloc (09022015). Collection method: clinical testing. Allele origin: germline.
Comment: This sequence change replaces leucine, which is neutral and non-polar, with valine, which is neutral and non-polar, at codon 118 of the BRCA1 protein (p.Leu118Val). This variant is present in population databases (no rsID available, gnomAD 0.0009%). This missense change has been observed in individual(s) with breast cancer (PMID: 30287823). ClinVar contains an entry for this variant (Variation ID: 231713). Advanced modeling of protein sequence and biophysical properties (such as structural, functional, and spatial information, amino acid conservation, physicochemical variation, residue mobility, and thermodynamic stability) performed at Invitae indicates that this missense variant is not expected to disrupt BRCA1 protein function with a negative predictive value of 95%. In summary, the available evidence is currently insufficient to determine the role of this variant in disease. Therefore, it has been classified as a Variant of Uncertain Significance.

Ambry Genetics
Classification: Uncertain significance for Hereditary cancer-predisposing syndrome. Last evaluated: 2016-05-18. Review status: criteria provided, single submitter. Criteria: Ambry Variant Classification Scheme 2023. Collection method: clinical testing. Allele origin: germline.
Comment: The p.L118V variant (also known as c.352C>G), located in coding exon 5 of the BRCA1 gene, results from a C to G substitution at nucleotide position 352. The leucine at codon 118 is replaced by valine, an amino acid with highly similar properties. This variant was not reported in population based cohorts in the following databases: Database of Single Nucleotide Polymorphisms (dbSNP), NHLBI Exome Sequencing Project (ESP), and 1000 Genomes Project. In the ESP, this variant was not observed in 6503 samples (13006 alleles) with coverage at this position. To date, this alteration has been detected with an allele frequency of approximately 0.0003% (greater than 300000 alleles tested) in our clinical cohort. This amino acid position is not well conserved in available vertebrate species. In addition, the in silico prediction for this alteration is inconclusive. Since supporting evidence is limited at this time, the clinical significance of p.L118V remains unclear.

Literature cited by the submitters: PubMed 30287823 (cited by Labcorp Genetics (formerly Invitae), Labcorp).